The following is an entry in ClinVar:

ClinVar aggregate classification (germline): Benign/Likely benign. Review status: criteria provided, multiple submitters, no conflicts (2 of 4 stars). 15 submissions from 12 submitters: Benign (12); Likely benign (1). 2 of the submissions do not count toward it. Last evaluated 2026-02-01.

Conditions:
Dilated cardiomyopathy 1G (CMD1G). Identifiers: Orphanet 154, MedGen C1858763, MONDO:0011400, OMIM 604145.
Autosomal recessive limb-girdle muscular dystrophy type 2J (LGMDR10). Also called: Limb-girdle muscular dystrophy, type 2J; MUSCULAR DYSTROPHY, LIMB-GIRDLE, AUTOSOMAL RECESSIVE 10. Identifiers: Orphanet 140922, MedGen C1837342, MONDO:0012127, OMIM 608807.
Cardiomyopathy (CMYO). Also called: Cardiomyopathies. Identifiers: Orphanet 167848, MedGen C0878544, MONDO:0004994, HP:0001638. Inheritance: Various modes of inheritance.
Early-onset myopathy with fatal cardiomyopathy (CMYO5). Also called: CONGENITAL MYOPATHY 5 WITH CARDIOMYOPATHY; Salih Myopathy. Identifiers: Orphanet 289377, MedGen C2673677, MONDO:0012714, OMIM 611705. Disease mechanism: loss of function.
Myopathy, myofibrillar, 9, with early respiratory failure (MFM9). Also called: MYOPATHY, PROXIMAL, WITH EARLY RESPIRATORY MUSCLE INVOLVEMENT; Myopathy, distal, with early respiratory failure, autosomal dominant; Hereditary myopathy with early respiratory failure; EDSTROM MYOPATHY. Identifiers: Orphanet 178464, Orphanet 34521, MedGen C1863599, MONDO:0011362, OMIM 603689.
Tibial muscular dystrophy (TMD). Also called: Tibial muscular dystrophy, tardive; UDD MYOPATHY; Udd Distal Myopathy – Tibial Muscular Dystrophy. Identifiers: Orphanet 609, MedGen C1838244, MONDO:0010870, OMIM 600334.

Allele frequency attached by ClinVar (database versions not stated): gnomAD exomes 0.00024 and 0.00072; ExAC 0.00085; 1000 Genomes Project 0.00240; 1000 Genomes Project 30x 0.00265; gnomAD 0.00286 and 0.00307; TOPMed 0.00324; ESP Exome Variant Server 0.00353.
gnomAD v4.1: 784 of 1,613,828 alleles (0.049%); highest among the groups gnomAD compares: African/African-American, 0.95%; 2 homozygotes.

Submissions (15):

Labcorp Genetics (formerly Invitae), Labcorp
Classification: Benign for Dilated cardiomyopathy 1G; Autosomal recessive limb-girdle muscular dystrophy type 2J. Last evaluated: 2026-02-01. Review status: criteria provided, single submitter. Criteria: Invitae Variant Classification Sherloc (09022015). Collection method: clinical testing. Allele origin: germline.

Molecular Diagnostic Laboratory for Inherited Cardiovascular Disease, Montreal Heart Institute
Classification: Benign. Last evaluated: 2025-04-09. Review status: criteria provided, single submitter. Criteria: ACMG Guidelines, 2015. Collection method: clinical testing. Allele origin: germline. Affected: no.

Genome-Nilou Lab
Classification: Benign for Autosomal recessive limb-girdle muscular dystrophy type 2J. Last evaluated: 2021-09-10. Review status: criteria provided, single submitter. Criteria: ACMG Guidelines, 2015. Collection method: clinical testing. Allele origin: germline. Affected: no.

Genome-Nilou Lab
Classification: Benign for Myopathy, myofibrillar, 9, with early respiratory failure. Last evaluated: 2021-09-10. Review status: criteria provided, single submitter. Criteria: ACMG Guidelines, 2015. Collection method: clinical testing. Allele origin: germline. Affected: no.

Genome-Nilou Lab
Classification: Benign for Early-onset myopathy with fatal cardiomyopathy. Last evaluated: 2021-09-10. Review status: criteria provided, single submitter. Criteria: ACMG Guidelines, 2015. Collection method: clinical testing. Allele origin: germline. Affected: no.

Genome-Nilou Lab
Classification: Benign for Tibial muscular dystrophy. Last evaluated: 2021-09-10. Review status: criteria provided, single submitter. Criteria: ACMG Guidelines, 2015. Collection method: clinical testing. Allele origin: germline. Affected: no.

Women's Health and Genetics/Laboratory Corporation of America, LabCorp
Classification: Likely benign. Last evaluated: 2020-08-08. Review status: criteria provided, single submitter. Criteria: LabCorp Variant Classification Summary - May 2015. Collection method: clinical testing. Allele origin: germline.

Center for Advanced Laboratory Medicine, UC San Diego Health, University of California San Diego
Classification: Benign for Cardiomyopathy. Last evaluated: 2019-06-03. Review status: criteria provided, single submitter. Criteria: ACMG Guidelines, 2015. Collection method: clinical testing. Allele origin: germline. Affected: yes. Observed: 1 variant allele.

CHEO Genetics Diagnostic Laboratory, Children's Hospital of Eastern Ontario
Classification: Benign for Cardiomyopathy. Last evaluated: 2018-05-24. Review status: criteria provided, single submitter. Criteria: ACMG Guidelines, 2015. Collection method: clinical testing. Allele origin: germline.

Athena Diagnostics
Classification: Benign. Last evaluated: 2017-02-07. Review status: criteria provided, single submitter. Criteria: Athena Diagnostics Criteria. Collection method: clinical testing. Allele origin: germline.

GeneDx
Classification: Benign. Last evaluated: 2016-08-29. Review status: criteria provided, single submitter. Criteria: GeneDx Variant Classification (06012015). Collection method: clinical testing. Allele origin: germline. Affected: yes.
Comment: This variant is considered likely benign or benign based on one or more of the following criteria: it is a conservative change, it occurs at a poorly conserved position in the protein, it is predicted to be benign by multiple in silico algorithms, and/or has population frequency not consistent with disease.

Biesecker Lab/Clinical Genomics Section, National Institutes of Health
Classification: Benign. Last evaluated: 2013-06-24. Review status: criteria provided, single submitter. Criteria: Ng et al. (Circ Cardiovasc Genet. 2013). Collection method: research. Allele origin: unknown. Observed: 2 variant alleles. Study: ClinSeq.
Comment: The study set was not selected for affection status in relation to any cancer. Pathogenicity categories were based on literature curation. See Pubmed ID:23861362 for details.

Medical sequencing

Laboratory for Molecular Medicine, Mass General Brigham Personalized Medicine
Classification: Benign. Last evaluated: 2012-03-19. Review status: criteria provided, single submitter. Criteria: LMM Criteria. Collection method: clinical testing. Allele origin: germline. Observed: 4 variant alleles.
Comment: p.Glu3951Gly in Exon 50 of TTN: This variant is not expected to have clinical si gnificance because it has been identified in 1.2% (37/3184) of African American chromosomes from a broad population by the NHLBI Exome Sequencing Project (dbSNP rs72648931).

Clinical Genetics DNA and cytogenetics Diagnostics Lab, Erasmus MC, Erasmus Medical Center
Classification: Benign. Review status: no assertion criteria provided. Collection method: clinical testing. Allele origin: germline. Affected: yes. Study: VKGL Data-share Consensus. Not counted in ClinVar's aggregate classification.

Clinical Genetics, Academic Medical Center
Classification: Benign. Review status: no assertion criteria provided. Collection method: clinical testing. Allele origin: germline. Affected: yes. Study: VKGL Data-share Consensus. Not counted in ClinVar's aggregate classification.

NM_001267550.2(TTN):c.15584A>G (p.Glu5195Gly)

Gene: TTN (titin; minus strand). Cytogenetic location: 2q31.2.
Variant type: single nucleotide variant.
Coding change: c.15584A>G on transcript NM_001267550.2 (MANE Select); coding-DNA position 15584, A replaced by G.
Protein change: p.Glu5195Gly; replaces glutamic acid 5195 with glycine.
Molecular consequence: missense variant. On other transcripts: intron variant (3).
Genome position (GRCh38, 1-based): chr2:178,733,805, T>C on the plus strand (A>G on the coding strand, the complement: TTN is on the minus strand). VCF-style: chr2-178733805-T-C. GRCh37 (hg19) VCF-style: chr2-179598532-T-C.
Other names: p.E4878G:GAG>GGG; c.14633A>G, p.Glu4878Gly (NM_001256850.1); c.11852A>G, p.Glu3951Gly (NM_133378.4); c.13282+4277A>G (NM_003319.4); c.13858+4277A>G (NM_133437.4); c.13657+4277A>G (NM_133432.3); short protein forms E5195G, E3951G, E4878G.
Identifiers: ClinVar variation 46604 (VCV000046604.27), dbSNP rs72648931, ClinGen allele CA138734.